The following is an entry in ClinVar:

NM_014679.5(CEP57):c.1214T>C (p.Val405Ala)

Gene: CEP57 (centrosomal protein 57; plus strand). Cytogenetic location: 11q21.
Variant type: single nucleotide variant.
Coding change: c.1214T>C on transcript NM_014679.5 (MANE Select); coding-DNA position 1214, T replaced by C.
Protein change: p.Val405Ala; replaces valine 405 with alanine.
Molecular consequence: missense variant.
Genome position (GRCh38, 1-based): chr11:95,829,273, T>C. VCF-style: chr11-95829273-T-C. GRCh37 (hg19) VCF-style: chr11-95562437-T-C.
Other names: c.1187T>C, p.Val396Ala (NM_001243776.2); c.1136T>C, p.Val379Ala (NM_001243777.2); c.1133T>C, p.Val378Ala (NM_001363604.2); short protein forms V405A, V379A, V396A, V378A.
Identifiers: ClinVar variation 408445 (VCV000408445.9), dbSNP rs763862458, ClinGen allele CA6239738.

ClinVar aggregate classification (germline): Uncertain significance. Review status: criteria provided, multiple submitters, no conflicts (2 of 4 stars). 2 submissions from 2 submitters: Uncertain significance (2). Last evaluated 2025-10-01.

Conditions:
Inborn genetic diseases. Identifiers: MedGen C0950123, MeSH D030342.
Mosaic variegated aneuploidy syndrome 2 (MVA2). Identifiers: Orphanet 1052, MedGen C3279843, MONDO:0013582, OMIM 614114.

Allele frequency attached by ClinVar (database versions not stated): ExAC 0.00002; gnomAD exomes 0.00002; TOPMed 0.00002.
gnomAD v4.1: 25 of 1,613,876 alleles (0.0015%); highest among the groups gnomAD compares: Non-Finnish European, 0.0021%; no homozygotes.

Submissions (2):

Labcorp Genetics (formerly Invitae), Labcorp
Classification: Uncertain significance for Mosaic variegated aneuploidy syndrome 2. Last evaluated: 2025-10-01. Review status: criteria provided, single submitter. Criteria: Invitae Variant Classification Sherloc (09022015). Collection method: clinical testing. Allele origin: germline.
Comment: This sequence change replaces valine, which is neutral and non-polar, with alanine, which is neutral and non-polar, at codon 405 of the CEP57 protein (p.Val405Ala). This variant is present in population databases (rs763862458, gnomAD 0.004%). This variant has not been reported in the literature in individuals affected with CEP57-related conditions. ClinVar contains an entry for this variant (Variation ID: 408445). Invitae Evidence Modeling of protein sequence and biophysical properties (such as structural, functional, and spatial information, amino acid conservation, physicochemical variation, residue mobility, and thermodynamic stability) indicates that this missense variant is not expected to disrupt CEP57 protein function with a negative predictive value of 80%. In summary, the available evidence is currently insufficient to determine the role of this variant in disease. Therefore, it has been classified as a Variant of Uncertain Significance.

Ambry Genetics
Classification: Uncertain significance for Inborn genetic diseases. Last evaluated: 2024-10-17. Review status: criteria provided, single submitter. Criteria: Ambry Variant Classification Scheme 2023. Collection method: clinical testing. Allele origin: germline.
Comment: The p.V405A variant (also known as c.1214T>C), located in coding exon 10 of the CEP57 gene, results from a T to C substitution at nucleotide position 1214. The valine at codon 405 is replaced by alanine, an amino acid with similar properties. This amino acid position is conserved. In addition, this alteration is predicted to be tolerated by in silico analysis. Based on the available evidence, the clinical significance of this variant remains unclear.